The following is an entry in ClinVar:

ClinVar aggregate classification (germline): Uncertain significance. Review status: criteria provided, multiple submitters, no conflicts (2 of 4 stars). 2 submissions from 2 submitters: Uncertain significance (2). Last evaluated 2024-03-05.

Conditions:
Malignant hyperthermia, susceptibility to, 1 (MHS1). Also called: RYR1-Related Malignant Hyperthermia Susceptibility; Anesthesia related hyperthermia; Malignant hyperpyrexia; Fulminating hyperpyrexia; Pharmacogenic myopathy; Malignant hyperthermia suceptibility 1. Identifiers: Orphanet 423, MedGen C2930980, MONDO:0007783, OMIM 145600.

gnomAD v4.1: 1 of 1,611,230 alleles (0.000062%); highest among the groups gnomAD compares: Non-Finnish European, 0.000085%; no homozygotes.

Submissions (2):

All of Us Research Program, National Institutes of Health
Classification: Uncertain significance for Malignant hyperthermia, susceptibility to, 1. Last evaluated: 2024-03-05. Review status: criteria provided, single submitter. Criteria: ACMG Guidelines, 2015. Collection method: clinical testing. Allele origin: germline. Inheritance: Autosomal dominant inheritance. Observed: 1 variant allele, 1 heterozygote.
Comment: This study involves interpretation of variants in research participants for the purpose of population health screening. Participant phenotype was not available at the time of variant classification. Additional details can be found in publication PMID: 35346344, PMCID: PMC8962531

Blueprint Genetics
Classification: Uncertain significance. Last evaluated: 2021-03-16. Review status: criteria provided, single submitter. Criteria: ACMG Guidelines, 2015. Collection method: clinical testing. Allele origin: germline.

NM_000540.3(RYR1):c.830A>T (p.Gln277Leu)

Gene: RYR1 (ryanodine receptor 1; plus strand). Cytogenetic location: 19q13.2.
Variant type: single nucleotide variant.
Coding change: c.830A>T on transcript NM_000540.3 (MANE Select); coding-DNA position 830, A replaced by T.
Protein change: p.Gln277Leu; replaces glutamine 277 with leucine.
Molecular consequence: missense variant.
Genome position (GRCh38, 1-based): chr19:38,448,384, A>T. VCF-style: chr19-38448384-A-T. GRCh37 (hg19) VCF-style: chr19-38939024-A-T.
Other names: c.830A>T, p.Gln277Leu (NM_001042723.2); short protein forms Q277L.
Identifiers: ClinVar variation 3387631 (VCV003387631.2).
Genomic context (GRCh38, chr19:38,448,384, plus strand): 5'-TCTGACTCCCCTTGGCTCTCACCCTCCACAGCTGGAGTGGGAGCCACCTGCGCTGGGGCC[A>T]GCCACTCCGAGTCCGGCATGTCACTACCGGGCAGTACCTAGCGCTCACCGAGGACCAGGG-3'
Protein context (NP_000531.2, residues 267-287): SWSGSHLRWG[Gln277Leu]PLRVRHVTTG